The following is an entry in ClinVar:

ClinVar aggregate classification (germline): Uncertain significance. Review status: criteria provided, multiple submitters, no conflicts (2 of 4 stars). 4 submissions from 4 submitters: Uncertain significance (4). Last evaluated 2025-01-31.

Conditions:
Familial hemiplegic migraine. Identifiers: MedGen C0338484, MONDO:0000700.
Migraine, familial hemiplegic, 2. Identifiers: Orphanet 569, MedGen C1865322, MONDO:0011232, OMIM 602481.

Allele frequency attached by ClinVar (database versions not stated): gnomAD exomes below 0.00001.
gnomAD v4.1: 6 of 1,614,140 alleles (0.00037%); highest among the groups gnomAD compares: Non-Finnish European, 0.00051%; no homozygotes.

Submissions (4):

GeneDx
Classification: Uncertain significance. Last evaluated: 2025-01-31. Review status: criteria provided, single submitter. Criteria: GeneDx Variant Classification Process June 2021. Collection method: clinical testing. Allele origin: germline. Affected: yes.
Comment: Not observed at significant frequency in large population cohorts (gnomAD); In silico analysis supports that this missense variant has a deleterious effect on protein structure/function; Has not been previously published as pathogenic or benign to our knowledge

Blueprint Genetics
Classification: Uncertain significance. Last evaluated: 2024-06-14. Review status: criteria provided, single submitter. Criteria: ACMG Guidelines, 2015. Collection method: clinical testing. Allele origin: germline.

Labcorp Genetics (formerly Invitae), Labcorp
Classification: Uncertain significance for Familial hemiplegic migraine. Last evaluated: 2023-06-03. Review status: criteria provided, single submitter. Criteria: Invitae Variant Classification Sherloc (09022015). Collection method: clinical testing. Allele origin: germline.
Comment: In summary, the available evidence is currently insufficient to determine the role of this variant in disease. Therefore, it has been classified as a Variant of Uncertain Significance. Advanced modeling of protein sequence and biophysical properties (such as structural, functional, and spatial information, amino acid conservation, physicochemical variation, residue mobility, and thermodynamic stability) performed at Invitae indicates that this missense variant is not expected to disrupt ATP1A2 protein function. ClinVar contains an entry for this variant (Variation ID: 204904). This variant has not been reported in the literature in individuals affected with ATP1A2-related conditions. This variant is not present in population databases (gnomAD no frequency). This sequence change replaces asparagine, which is neutral and polar, with aspartic acid, which is acidic and polar, at codon 161 of the ATP1A2 protein (p.Asn161Asp).

Institute of Human Genetics, University of Leipzig Medical Center
Classification: Uncertain significance for Migraine, familial hemiplegic, 2. Last evaluated: 2017-07-24. Review status: criteria provided, single submitter. Criteria: ACMG Guidelines, 2015. Collection method: clinical testing. Allele origin: germline. Affected: yes. Observed: 1 variant allele.

NM_000702.4(ATP1A2):c.481A>G (p.Asn161Asp)

Gene: ATP1A2 (ATPase Na+/K+ transporting subunit alpha 2; plus strand). Cytogenetic location: 1q23.2.
Variant type: single nucleotide variant.
Coding change: c.481A>G on transcript NM_000702.4 (MANE Select); coding-DNA position 481, A replaced by G.
Protein change: p.Asn161Asp; replaces asparagine 161 with aspartic acid.
Molecular consequence: missense variant.
Genome position (GRCh38, 1-based): chr1:160,124,042, A>G. VCF-style: chr1-160124042-A-G. GRCh37 (hg19) VCF-style: chr1-160093832-A-G.
Other names: p.N161D:AAC>GAC; short protein forms N161D.
Identifiers: ClinVar variation 204904 (VCV000204904.16), dbSNP rs796052279, ClinGen allele CA313331.